The following is an entry in ClinVar:

NM_000138.5(FBN1):c.7820-4G>A

Gene: FBN1 (fibrillin 1; minus strand). Cytogenetic location: 15q21.1.
Variant type: single nucleotide variant.
Coding change: c.7820-4G>A on transcript NM_000138.5 (MANE Select); 4 bases into the intron before coding-DNA position 7820, G replaced by A.
Molecular consequence: intron variant.
Genome position (GRCh38, 1-based): chr15:48,415,771, C>T on the plus strand (G>A on the coding strand, the complement: FBN1 is on the minus strand). VCF-style: chr15-48415771-C-T. GRCh37 (hg19) VCF-style: chr15-48707968-C-T.
Identifiers: ClinVar variation 514647 (VCV000514647.10), dbSNP rs750036723, ClinGen allele CA059248.

ClinVar aggregate classification (germline): Conflicting classifications of pathogenicity. Review status: criteria provided, conflicting classifications (1 of 4 stars). 10 submissions from 4 submitters: Uncertain significance (1); Benign (5); Likely benign (4). Last evaluated 2025-02-15.

Conditions:
Weill-Marchesani syndrome. Also called: WM Syndrome; Mesodermal dysmorphodystrophy congenital. Identifiers: Orphanet 3449, MedGen C0265313, MONDO:0018096.
Familial thoracic aortic aneurysm and aortic dissection (TAAD). Also called: Thoracic aortic aneurysms and dissections. Identifiers: Orphanet 91387, MedGen C4707243, MONDO:0019625.
Marfan syndrome (MFS). Also called: Marfan syndrome type 1; Marfan syndrome, classic; Marfan's syndrome; FBN1-Related Marfan Syndrome; MARFAN SYNDROME, TYPE I. Identifiers: Orphanet 284963, Orphanet 558, MedGen C0024796, MONDO:0007947, OMIM 154700.
Stiff skin syndrome (SSKS). Identifiers: Orphanet 2833, MedGen C1861456, MONDO:0008492, OMIM 184900.
Ectopia lentis 1, isolated, autosomal dominant (ECTOL1). Identifiers: Orphanet 1885, MedGen C3541518, MONDO:0007514, OMIM 129600.
Acromicric dysplasia (ACMICD). Also called: Acromicric skeletal dysplasia. Identifiers: Orphanet 969, MedGen C0265287, MONDO:0007055, OMIM 102370.
Geleophysic dysplasia. Identifiers: Orphanet 2623, MedGen C3489726, MONDO:0000127.

Allele frequency attached by ClinVar (database versions not stated): gnomAD exomes 0.00005 and below 0.00001; ExAC 0.00004; TOPMed below 0.00001.
gnomAD v4.1: 6 of 1,612,044 alleles (0.00037%); highest among the groups gnomAD compares: East Asian, 0.013%; no homozygotes.

Submissions (10):

Labcorp Genetics (formerly Invitae), Labcorp
Classification: Likely benign for Marfan syndrome; Familial thoracic aortic aneurysm and aortic dissection. Last evaluated: 2025-02-15. Review status: criteria provided, single submitter. Criteria: Invitae Variant Classification Sherloc (09022015). Collection method: clinical testing. Allele origin: germline.

Color Diagnostics, LLC DBA Color Health
Classification: Likely benign for Familial thoracic aortic aneurysm and aortic dissection. Last evaluated: 2018-12-03. Review status: criteria provided, single submitter. Criteria: ACMG Guidelines, 2015. Collection method: clinical testing. Allele origin: germline.

GeneDx
Classification: Likely benign. Last evaluated: 2018-01-18. Review status: criteria provided, single submitter. Criteria: GeneDx Variant Classification (06012015). Collection method: clinical testing. Allele origin: germline. Affected: yes.
Comment: This variant is considered likely benign or benign based on one or more of the following criteria: it is a conservative change, it occurs at a poorly conserved position in the protein, it is predicted to be benign by multiple in silico algorithms, and/or has population frequency not consistent with disease.

Illumina Laboratory Services, Illumina
Classification: Benign for Ectopia lentis 1, isolated, autosomal dominant. Last evaluated: 2017-05-31. Review status: criteria provided, single submitter. Criteria: ICSL Variant Classification Criteria 13 December 2019. Collection method: clinical testing. Allele origin: germline.
Comment: This variant was observed as part of a predisposition screen in an ostensibly healthy population. A literature search was performed for the gene, cDNA change, and amino acid change (where applicable). No publications were found based on this search. Allele frequency data from public databases was too high to be consistent with this variant causing disease. Therefore, this variant is classified as benign.

Illumina Laboratory Services, Illumina
Classification: Benign for Acromicric dysplasia. Last evaluated: 2017-05-31. Review status: criteria provided, single submitter. Criteria: ICSL Variant Classification Criteria 13 December 2019. Collection method: clinical testing. Allele origin: germline.
Comment: the same text as in the submission from Illumina Laboratory Services, Illumina above.

Illumina Laboratory Services, Illumina
Classification: Likely benign for Marfan syndrome. Last evaluated: 2017-05-31. Review status: criteria provided, single submitter. Criteria: ICSL Variant Classification Criteria 13 December 2019. Collection method: clinical testing. Allele origin: germline.
Comment: This variant was observed as part of a predisposition screen in an ostensibly healthy population. A literature search was performed for the gene, cDNA change, and amino acid change (where applicable). No publications were found based on this search. Allele frequency data from public databases allowed determination this variant is unlikely to cause disease. Therefore, this variant is classified as likely benign.

Illumina Laboratory Services, Illumina
Classification: Benign for Geleophysic dysplasia. Last evaluated: 2017-05-31. Review status: criteria provided, single submitter. Criteria: ICSL Variant Classification Criteria 13 December 2019. Collection method: clinical testing. Allele origin: germline.
Comment: the same text as in the submission from Illumina Laboratory Services, Illumina above.

Illumina Laboratory Services, Illumina
Classification: Benign for Weill-Marchesani syndrome. Last evaluated: 2017-05-31. Review status: criteria provided, single submitter. Criteria: ICSL Variant Classification Criteria 13 December 2019. Collection method: clinical testing. Allele origin: germline.
Comment: the same text as in the submission from Illumina Laboratory Services, Illumina above.

Illumina Laboratory Services, Illumina
Classification: Benign for Stiff skin syndrome. Last evaluated: 2017-05-31. Review status: criteria provided, single submitter. Criteria: ICSL Variant Classification Criteria 13 December 2019. Collection method: clinical testing. Allele origin: germline.
Comment: the same text as in the submission from Illumina Laboratory Services, Illumina above.

Illumina Laboratory Services, Illumina
Classification: Uncertain significance for Familial thoracic aortic aneurysm and aortic dissection. Last evaluated: 2017-04-28. Review status: criteria provided, single submitter. Criteria: ICSL Variant Classification Criteria 13 December 2019. Collection method: clinical testing. Allele origin: germline.